The following is an entry in ClinVar:

ClinVar aggregate classification (germline): Uncertain significance. Review status: criteria provided, multiple submitters, no conflicts (2 of 4 stars). 2 submissions from 2 submitters: Uncertain significance (2). Last evaluated 2022-09-14.

Conditions:
Brugada syndrome. Also called: Sudden unexplained nocturnal death syndrome; Sudden Unexplained Death Syndrome; Sudden Unexplained Nocturnal Death Syndrome (SUNDS); Sudden unexpected nocturnal death syndrome. Identifiers: Orphanet 130, MedGen C1142166, MONDO:0015263.
Cardiovascular phenotype. Identifiers: MedGen CN230736.

Allele frequency attached by ClinVar (database versions not stated): ExAC 0.00001; gnomAD exomes 0.00001.
gnomAD v4.1: 27 of 1,613,822 alleles (0.0017%); highest among the groups gnomAD compares: Non-Finnish European, 0.0021%; no homozygotes.

Submissions (2):

Ambry Genetics
Classification: Uncertain significance for Cardiovascular phenotype. Last evaluated: 2022-09-14. Review status: criteria provided, single submitter. Criteria: Ambry Variant Classification Scheme 2023. Collection method: clinical testing. Allele origin: germline.
Comment: The p.T107S variant (also known as c.319A>T), located in coding exon 2 of the SCN10A gene, results from an A to T substitution at nucleotide position 319. The threonine at codon 107 is replaced by serine, an amino acid with similar properties. This amino acid position is well conserved in available vertebrate species; however, serine is the reference amino acid in other vertebrate species. In addition, the in silico prediction for this alteration is inconclusive. The evidence for this gene-disease relationship is limited; therefore, the clinical significance of this alteration is unclear.

Labcorp Genetics (formerly Invitae), Labcorp
Classification: Uncertain significance for Brugada syndrome. Last evaluated: 2022-06-20. Review status: criteria provided, single submitter. Criteria: Invitae Variant Classification Sherloc (09022015). Collection method: clinical testing. Allele origin: germline.
Comment: This sequence change replaces threonine, which is neutral and polar, with serine, which is neutral and polar, at codon 107 of the SCN10A protein (p.Thr107Ser). This variant is present in population databases (rs757050845, gnomAD 0.003%). This variant has not been reported in the literature in individuals affected with SCN10A-related conditions. ClinVar contains an entry for this variant (Variation ID: 576565). Advanced modeling of protein sequence and biophysical properties (such as structural, functional, and spatial information, amino acid conservation, physicochemical variation, residue mobility, and thermodynamic stability) performed at Invitae indicates that this missense variant is expected to disrupt SCN10A protein function. In summary, the available evidence is currently insufficient to determine the role of this variant in disease. Therefore, it has been classified as a Variant of Uncertain Significance.

NM_006514.4(SCN10A):c.319A>T (p.Thr107Ser)

Gene: SCN10A (sodium voltage-gated channel alpha subunit 10; minus strand). Cytogenetic location: 3p22.2.
Variant type: single nucleotide variant.
Coding change: c.319A>T on transcript NM_006514.4 (MANE Select); coding-DNA position 319, A replaced by T.
Protein change: p.Thr107Ser; replaces threonine 107 with serine.
Molecular consequence: missense variant.
Genome position (GRCh38, 1-based): chr3:38,792,120, T>A on the plus strand (A>T on the coding strand, the complement: SCN10A is on the minus strand). VCF-style: chr3-38792120-T-A. GRCh37 (hg19) VCF-style: chr3-38833611-T-A.
Other names: c.319A>T, p.Thr107Ser (NM_001293306.2, NM_001293307.2); short protein forms T107S.
Identifiers: ClinVar variation 576565 (VCV000576565.4), dbSNP rs757050845, ClinGen allele CA2321251.
Genomic context (GRCh38, chr3:38,792,120, plus strand): 5'-ACACTTTGATGGCCGTTCTTCTGATCAGGTTGAAAGGACTGAATAGCCACAGGGCCCGAG[T>A]GGCACTAAACCGGGAAATGGTCCTCCCTTTGTTCAGCACCATAAATGTCTGAAACAAAAC-3'
Protein context (NP_006505.4, residues 97-117): KGRTISRFSA[Thr107Ser]RALWLFSPFN